The following is an entry in ClinVar:

ClinVar aggregate classification (germline): Uncertain significance (1 of 4 stars; one submission).

gnomAD v4.1: 1 of 1,614,006 alleles (0.000062%); no homozygotes.

Submission:

Labcorp Genetics (formerly Invitae), Labcorp
Classification: Uncertain significance. Last evaluated: 2022-02-10. Review status: criteria provided, single submitter. Criteria: Invitae Variant Classification Sherloc (09022015). Collection method: clinical testing. Allele origin: germline.
Comment: This sequence change replaces methionine, which is neutral and non-polar, with leucine, which is neutral and non-polar, at codon 3159 of the LRP2 protein (p.Met3159Leu). This variant is present in population databases (no rsID available, gnomAD 0.003%). This variant has not been reported in the literature in individuals affected with LRP2-related conditions. Advanced modeling of protein sequence and biophysical properties (such as structural, functional, and spatial information, amino acid conservation, physicochemical variation, residue mobility, and thermodynamic stability) performed at Invitae indicates that this missense variant is not expected to disrupt LRP2 protein function. In summary, the available evidence is currently insufficient to determine the role of this variant in disease. Therefore, it has been classified as a Variant of Uncertain Significance.

NM_004525.3(LRP2):c.9475A>T (p.Met3159Leu)

Gene: LRP2 (LDL receptor related protein 2; minus strand). Cytogenetic location: 2q31.1.
Variant type: single nucleotide variant.
Coding change: c.9475A>T on transcript NM_004525.3 (MANE Select); coding-DNA position 9475, A replaced by T.
Protein change: p.Met3159Leu; replaces methionine 3159 with leucine.
Molecular consequence: missense variant.
Genome position (GRCh38, 1-based): chr2:169,185,873, T>A on the plus strand (A>T on the coding strand, the complement: LRP2 is on the minus strand). VCF-style: chr2-169185873-T-A. GRCh37 (hg19) VCF-style: chr2-170042383-T-A.
Other names: short protein forms M3159L.
Identifiers: ClinVar variation 1901469 (VCV001901469.2), dbSNP rs1337388361, ClinGen allele CA349154499.